The following is an entry in ClinVar:

ClinVar aggregate classification (germline): Uncertain significance. Review status: criteria provided, multiple submitters, no conflicts (2 of 4 stars). 2 submissions from 2 submitters: Uncertain significance (2). Last evaluated 2024-11-07.

Conditions:
Encephalopathy, acute, infection-induced (herpes-specific), susceptibility to, 1. Also called: Herpes simplex encephalitis, susceptibility to, 1. Identifiers: Orphanet 1930, MedGen C2750180, MONDO:0024563, OMIM 610551.

Allele frequency attached by ClinVar (database versions not stated): gnomAD 0.00006 and 0.00005; gnomAD exomes 0.00005 and 0.00003; TOPMed 0.00005.
gnomAD v4.1: 84 of 1,548,116 alleles (0.0054%); highest among the groups gnomAD compares: Non-Finnish European, 0.0065%; no homozygotes.

Submissions (2):

Blueprint Genetics
Classification: Uncertain significance. Last evaluated: 2024-11-07. Review status: criteria provided, single submitter. Criteria: ACMG Guidelines, 2015. Collection method: clinical testing. Allele origin: germline.

Labcorp Genetics (formerly Invitae), Labcorp
Classification: Uncertain significance for Encephalopathy, acute, infection-induced (herpes-specific), susceptibility to, 1. Last evaluated: 2022-08-09. Review status: criteria provided, single submitter. Criteria: Invitae Variant Classification Sherloc (09022015). Collection method: clinical testing. Allele origin: germline.
Comment: This sequence change replaces proline, which is neutral and non-polar, with leucine, which is neutral and non-polar, at codon 402 of the UNC93B1 protein (p.Pro402Leu). This variant is present in population databases (no rsID available, gnomAD 0.006%). This variant has not been reported in the literature in individuals affected with UNC93B1-related conditions. ClinVar contains an entry for this variant (Variation ID: 836872). In summary, the available evidence is currently insufficient to determine the role of this variant in disease. Therefore, it has been classified as a Variant of Uncertain Significance.

NM_030930.4(UNC93B1):c.1205C>T (p.Pro402Leu)

Gene: UNC93B1 (unc-93B1 regulator of TLR signaling; minus strand). Cytogenetic location: 11q13.2.
Variant type: single nucleotide variant.
Coding change: c.1205C>T on transcript NM_030930.4 (MANE Select); coding-DNA position 1205, C replaced by T.
Protein change: p.Pro402Leu; replaces proline 402 with leucine.
Molecular consequence: missense variant.
Genome position (GRCh38, 1-based): chr11:67,995,769, G>A on the plus strand (C>T on the coding strand, the complement: UNC93B1 is on the minus strand). VCF-style: chr11-67995769-G-A. GRCh37 (hg19) VCF-style: chr11-67763240-G-A.
Other names: short protein forms P402L.
Identifiers: ClinVar variation 836872 (VCV000836872.6), dbSNP rs1304888907, ClinGen allele CA381570695.